The following is an entry in ClinVar:

NM_206933.4(USH2A):c.5876C>T (p.Thr1959Ile)

Gene: USH2A (usherin; minus strand). Cytogenetic location: 1q41.
Variant type: single nucleotide variant.
Coding change: c.5876C>T on transcript NM_206933.4 (MANE Select); coding-DNA position 5876, C replaced by T.
Protein change: p.Thr1959Ile; replaces threonine 1959 with isoleucine.
Molecular consequence: missense variant.
Genome position (GRCh38, 1-based): chr1:216,070,274, G>A on the plus strand (C>T on the coding strand, the complement: USH2A is on the minus strand). VCF-style: chr1-216070274-G-A. GRCh37 (hg19) VCF-style: chr1-216243616-G-A.
Other names: short protein forms T1959I.
Identifiers: ClinVar variation 2528661 (VCV002528661.4), dbSNP rs569113276, ClinGen allele CA1395308.

ClinVar aggregate classification (germline): Uncertain significance. Review status: criteria provided, multiple submitters, no conflicts (2 of 4 stars). 3 submissions from 3 submitters: Uncertain significance (3). Last evaluated 2024-07-18.

Conditions:
Inborn genetic diseases. Identifiers: MedGen C0950123, MeSH D030342.

Allele frequency attached by ClinVar (database versions not stated): gnomAD exomes 0.00001; TOPMed 0.00001; ExAC 0.00002; gnomAD 0.00005; 1000 Genomes Project 30x 0.00016; 1000 Genomes Project 0.00020.
gnomAD v4.1: 18 of 1,613,944 alleles (0.0011%); highest among the groups gnomAD compares: East Asian, 0.04%; no homozygotes.

Submissions (3):

Labcorp Genetics (formerly Invitae), Labcorp
Classification: Uncertain significance. Last evaluated: 2024-07-18. Review status: criteria provided, single submitter. Criteria: Invitae Variant Classification Sherloc (09022015). Collection method: clinical testing. Allele origin: germline.
Comment: This sequence change replaces threonine, which is neutral and polar, with isoleucine, which is neutral and non-polar, at codon 1959 of the USH2A protein (p.Thr1959Ile). This variant is present in population databases (rs569113276, gnomAD 0.05%). This variant has not been reported in the literature in individuals affected with USH2A-related conditions. ClinVar contains an entry for this variant (Variation ID: 2528661). Advanced modeling of protein sequence and biophysical properties (such as structural, functional, and spatial information, amino acid conservation, physicochemical variation, residue mobility, and thermodynamic stability) performed at Invitae indicates that this missense variant is not expected to disrupt USH2A protein function with a negative predictive value of 95%. In summary, the available evidence is currently insufficient to determine the role of this variant in disease. Therefore, it has been classified as a Variant of Uncertain Significance.

Blueprint Genetics
Classification: Uncertain significance. Last evaluated: 2023-10-12. Review status: criteria provided, single submitter. Criteria: ACMG Guidelines, 2015. Collection method: clinical testing. Allele origin: germline.

Ambry Genetics
Classification: Uncertain significance for Inborn genetic diseases. Last evaluated: 2023-05-03. Review status: criteria provided, single submitter. Criteria: Ambry Variant Classification Scheme 2023. Collection method: clinical testing. Allele origin: germline.